The following is an entry in ClinVar:

ClinVar aggregate classification (germline): Likely benign (1 of 4 stars; one submission).

Conditions:
MYH1-related disorder. Also called: MYH1-related condition.

gnomAD v4.1: 300 of 1,614,142 alleles (0.019%); highest among the groups gnomAD compares: South Asian, 0.32%; 4 homozygotes.

Submission:

PreventionGenetics, part of Exact Sciences
Classification: Likely benign for MYH1-related condition. Last evaluated: 2026-07-29. Review status: criteria provided, single submitter. Criteria: ACMG Guidelines, 2015. Collection method: clinical testing. Allele origin: germline.
Comment: This variant is classified as likely benign based on ACMG/AMP sequence variant interpretation guidelines (Richards et al. 2015 PMID: 25741868, with internal and published modifications).

NM_005963.4(MYH1):c.92C>T (p.Pro31Leu)

Genes: MYH1 (myosin heavy chain 1; minus strand), MYHAS (myosin heavy chain gene cluster antisense RNA; plus strand). Cytogenetic location: 17p13.1.
Variant type: single nucleotide variant.
Coding change: c.92C>T on transcript NM_005963.4 (MANE Select); coding-DNA position 92, C replaced by T.
Protein change: p.Pro31Leu; replaces proline 31 with leucine.
Molecular consequence: missense variant.
Genome position (GRCh38, 1-based): chr17:10,516,551, G>A on the plus strand (C>T on the coding strand, the complement: MYH1 is on the minus strand). VCF-style: chr17-10516551-G-A. GRCh37 (hg19) VCF-style: chr17-10419868-G-A.
Other names: short protein forms P31L.
Identifiers: ClinVar variation 4979780 (VCV004979780.1).